The following is an entry in ClinVar:

ClinVar aggregate classification (germline): Benign (0 of 4 stars; one submission).

Conditions:
STAP1-related disorder. Also called: STAP1-related condition.

Allele frequency attached by ClinVar (database versions not stated): TOPMed 0.00060; 1000 Genomes Project 30x 0.00297; 1000 Genomes Project 0.00339.
gnomAD v4.1: 614 of 1,613,110 alleles (0.038%); highest among the groups gnomAD compares: East Asian, 1.2%; 3 homozygotes.

Submission:

PreventionGenetics, part of Exact Sciences
Classification: Benign for STAP1-related condition. Last evaluated: 2019-02-20. Review status: no assertion criteria provided. Collection method: clinical testing. Allele origin: germline.
Comment: This variant is classified as benign based on ACMG/AMP sequence variant interpretation guidelines (Richards et al. 2015 PMID: 25741868, with internal and published modifications).

NM_012108.4(STAP1):c.5T>C (p.Met2Thr)

Gene: STAP1 (signal transducing adaptor family member 1; plus strand). Cytogenetic location: 4q13.2.
Variant type: single nucleotide variant.
Coding change: c.5T>C on transcript NM_012108.4 (MANE Select); coding-DNA position 5, T replaced by C.
Protein change: p.Met2Thr; replaces methionine 2 with threonine.
Molecular consequence: missense variant.
Genome position (GRCh38, 1-based): chr4:67,558,814, T>C. VCF-style: chr4-67558814-T-C. GRCh37 (hg19) VCF-style: chr4-68424532-T-C.
Other names: c.5T>C, p.Met2Thr (NM_001317769.2); short protein forms M2T.
Identifiers: ClinVar variation 3046099 (VCV003046099.2), dbSNP rs141604937, ClinGen allele CA2937411.